The following is an entry in ClinVar:

NM_001172509.2(SATB2):c.1187A>G (p.Glu396Gly)

Gene: SATB2 (SATB homeobox 2; minus strand). Cytogenetic location: 2q33.1.
Variant type: single nucleotide variant.
Coding change: c.1187A>G on transcript NM_001172509.2 (MANE Select); coding-DNA position 1187, A replaced by G.
Protein change: p.Glu396Gly; replaces glutamic acid 396 with glycine.
Molecular consequence: missense variant.
Genome position (GRCh38, 1-based): chr2:199,328,897, T>C on the plus strand (A>G on the coding strand, the complement: SATB2 is on the minus strand). VCF-style: chr2-199328897-T-C. GRCh37 (hg19) VCF-style: chr2-200193620-T-C.
Other names: c.1187A>G, p.Glu396Gly (NM_001172517.1, NM_015265.4); short protein forms E396G.
Identifiers: ClinVar variation 848669 (VCV000848669.10), dbSNP rs1688108235, ClinGen allele CA350386564.

ClinVar aggregate classification (germline): Pathogenic (1 of 4 stars; one submission).

Conditions:
Chromosome 2q32-q33 deletion syndrome (GLASS). Also called: Glass syndrome; 2q33.1 deletion syndrome. Identifiers: Orphanet 251019, MedGen C2676739, MONDO:0012864, OMIM 612313.

Submission:

Labcorp Genetics (formerly Invitae), Labcorp
Classification: Pathogenic for Chromosome 2q32-q33 deletion syndrome. Last evaluated: 2019-12-16. Review status: criteria provided, single submitter. Criteria: Invitae Variant Classification Sherloc (09022015). Collection method: clinical testing. Allele origin: germline.
Comment: This variant disrupts the p.Glu396 amino acid residue in SATB2. Other variant(s) that disrupt this residue have been determined to be pathogenic (PMID: 26596517). This suggests that this residue is clinically significant, and that variants that disrupt this residue are likely to be disease-causing. Algorithms developed to predict the effect of missense changes on protein structure and function are either unavailable or do not agree on the potential impact of this missense change (SIFT: "Tolerated"; PolyPhen-2: "Probably Damaging"; Align-GVGD: "Class C0"). This variant has been observed in individual(s) with clinical features of glass syndrome (Invitae). In at least one individual the variant was observed to be de novo. This variant is not present in population databases (ExAC no frequency). This sequence change replaces glutamic acid with glycine at codon 396 of the SATB2 protein (p.Glu396Gly). The glutamic acid residue is highly conserved and there is a moderate physicochemical difference between glutamic acid and glycine. For these reasons, this variant has been classified as Pathogenic.

Literature cited by the submitters: PubMed 26596517.